The following is an entry in ClinVar:

NM_000222.3(KIT):c.2046G>C (p.Leu682Phe)

Gene: KIT (KIT proto-oncogene, receptor tyrosine kinase; plus strand). Cytogenetic location: 4q12.
Variant type: single nucleotide variant.
Coding change: c.2046G>C on transcript NM_000222.3 (MANE Select); coding-DNA position 2046, G replaced by C.
Protein change: p.Leu682Phe; replaces leucine 682 with phenylalanine.
Molecular consequence: missense variant.
Genome position (GRCh38, 1-based): chr4:54,729,390, G>C. VCF-style: chr4-54729390-G-C. GRCh37 (hg19) VCF-style: chr4-55595556-G-C.
Other names: c.2034G>C, p.Leu678Phe (NM_001093772.2, NM_001385286.1); c.2049G>C, p.Leu683Phe (NM_001385284.1, NM_001385290.1); c.2046G>C, p.Leu682Phe (NM_001385285.1); c.2037G>C, p.Leu679Phe (NM_001385288.1, NM_001385292.1); c.2046G>C (NM_000222.2); short protein forms L679F, L678F, L682F, L683F.
Identifiers: ClinVar variation 1503914 (VCV001503914.6), dbSNP rs2109786269, ClinGen allele CA356909459.

ClinVar aggregate classification (germline): Uncertain significance. Review status: criteria provided, multiple submitters, no conflicts (2 of 4 stars). 2 submissions from 2 submitters: Uncertain significance (2). Last evaluated 2025-11-08.

Conditions:
Gastrointestinal stromal tumor. Also called: Gastrointestinal stromal tumor, somatic; Gastrointestinal stroma tumor. Identifiers: Orphanet 44890, MedGen C0238198, MeSH D046152, MONDO:0011719, OMIM 606764, HP:0100723.
Hereditary cancer-predisposing syndrome. Also called: Tumor predisposition; Neoplastic Syndromes, Hereditary; Hereditary Cancer Syndrome; Hereditary neoplastic syndrome. Identifiers: Orphanet 140162, MedGen C0027672, MeSH D009386, MONDO:0015356.

Submissions (2):

Ambry Genetics
Classification: Uncertain significance for Hereditary cancer-predisposing syndrome. Last evaluated: 2025-11-08. Review status: criteria provided, single submitter. Criteria: Ambry Variant Classification Scheme 2023. Collection method: clinical testing. Allele origin: germline.
Comment: The p.L682F variant (also known as c.2046G>C), located in coding exon 14 of the KIT gene, results from a G to C substitution at nucleotide position 2046. The leucine at codon 682 is replaced by phenylalanine, an amino acid with highly similar properties. This amino acid position is conserved. In addition, this alteration is predicted to be deleterious by in silico analysis. Based on the available evidence, the clinical significance of this variant remains unclear.

Labcorp Genetics (formerly Invitae), Labcorp
Classification: Uncertain significance for Gastrointestinal stromal tumor. Last evaluated: 2021-10-01. Review status: criteria provided, single submitter. Criteria: Invitae Variant Classification Sherloc (09022015). Collection method: clinical testing. Allele origin: germline.
Comment: In summary, the available evidence is currently insufficient to determine the role of this variant in disease. Therefore, it has been classified as a Variant of Uncertain Significance. Algorithms developed to predict the effect of sequence changes on RNA splicing suggest that this variant may create or strengthen a splice site. Algorithms developed to predict the effect of missense changes on protein structure and function are either unavailable or do not agree on the potential impact of this missense change (SIFT: "Deleterious"; PolyPhen-2: "Probably Damaging"; Align-GVGD: "Class C15"). This variant has not been reported in the literature in individuals affected with KIT-related conditions. This variant is not present in population databases (ExAC no frequency). This sequence change replaces leucine with phenylalanine at codon 682 of the KIT protein (p.Leu682Phe). The leucine residue is highly conserved and there is a small physicochemical difference between leucine and phenylalanine.